The following is an entry in ClinVar:

NM_000466.3(PEX1):c.2718+3A>G

Gene: PEX1 (peroxisomal biogenesis factor 1; minus strand). Cytogenetic location: 7q21.2.
Variant type: single nucleotide variant.
Coding change: c.2718+3A>G on transcript NM_000466.3 (MANE Select); 3 bases into the intron after coding-DNA position 2718, A replaced by G.
Molecular consequence: intron variant.
Genome position (GRCh38, 1-based): chr7:92,499,701, T>C on the plus strand (A>G on the coding strand, the complement: PEX1 is on the minus strand). VCF-style: chr7-92499701-T-C. GRCh37 (hg19) VCF-style: chr7-92129015-T-C.
Other names: p.?; c.2547+3A>G (NM_001282677.2); c.2094+3A>G (NM_001282678.2).
Identifiers: ClinVar variation 360920 (VCV000360920.25), dbSNP rs370536529, ClinGen allele CA4341052.

ClinVar aggregate classification (germline): Benign/Likely benign. Review status: criteria provided, multiple submitters, no conflicts (2 of 4 stars). 9 submissions from 9 submitters: Benign (3); Likely benign (3). 3 of the submissions do not count toward it. Last evaluated 2025-09-08.

Conditions:
Peroxisome biogenesis disorder 1A (Zellweger) (PBD1A). Also called: Zellweger leukodystrophy; Peroxisome biogenesis disorder 1a. Identifiers: MedGen C4721541, MONDO:0008953, OMIM 214100.
Zellweger spectrum disorders (ZS). Also called: Zellweger syndrome; Zellweger Spectrum Disorder; Zellweger Spectrum; Zellweger Spectrum Disorder (ZSD). Identifiers: Orphanet 912, MedGen C0043459, MONDO:0019609.

Allele frequency attached by ClinVar (database versions not stated): gnomAD 0.00040 and 0.00088; TOPMed 0.00050; ESP Exome Variant Server 0.00054; gnomAD exomes 0.00144 and 0.00231; ExAC 0.00279; 1000 Genomes Project 30x 0.00297; 1000 Genomes Project 0.00300.
gnomAD v4.1: 2,252 of 1,609,676 alleles (0.14%); highest among the groups gnomAD compares: South Asian, 1.6%; 39 homozygotes.

Submissions (9):

Labcorp Genetics (formerly Invitae), Labcorp
Classification: Benign for Zellweger spectrum disorders. Last evaluated: 2025-09-08. Review status: criteria provided, single submitter. Criteria: Invitae Variant Classification Sherloc (09022015). Collection method: clinical testing. Allele origin: germline.

Genomic Medicine Center of Excellence, King Faisal Specialist Hospital and Research Centre
Classification: Likely benign. Last evaluated: 2025-08-18. Review status: criteria provided, single submitter. Criteria: ACMG Guidelines, 2015. Collection method: clinical testing. Allele origin: germline.

Mayo Clinic Laboratories, Mayo Clinic
Classification: Benign. Last evaluated: 2023-04-20. Review status: criteria provided, single submitter. Criteria: ACMG Guidelines, 2015. Collection method: clinical testing. Allele origin: germline. Observed: 4 variant alleles.
Comment: BS1, BS2

Women's Health and Genetics/Laboratory Corporation of America, LabCorp
Classification: Benign. Last evaluated: 2022-06-30. Review status: criteria provided, single submitter. Criteria: LabCorp Variant Classification Summary - May 2015. Collection method: clinical testing. Allele origin: germline.
Comment: Variant summary: PEX1 c.2718+3A>G alters a non-conserved nucleotide located close to a canonical splice site and therefore could affect mRNA splicing, leading to a significantly altered protein sequence. 4/4 computational tools predict no significant impact on normal splicing. However, these predictions have yet to be confirmed by functional studies. The variant allele was found at a frequency of 0.0023 in 251148 control chromosomes, including 4 homozygotes, and predominantly at a frequency of 0.015 within the South Asian subpopulation in the gnomAD database. The observed variant frequency within South Asian control individuals in the gnomAD database is approximately 4-fold of the estimated maximal expected allele frequency for a pathogenic variant in PEX1 causing Zellweger Syndrome (0.0039), strongly suggesting that the variant is a benign polymorphism found primarily in populations of South Asian origin. To our knowledge, no occurrence of c.2718+3A>G in individuals affected with Zellweger Syndrome and no experimental evidence demonstrating its impact on protein function have been reported. Three clinical diagnostic laboratories have submitted clinical-significance assessments for this variant to ClinVar after 2014. Two laboratories classified the variant as benign and one classified it as likely benign. Based on the evidence outlined above, the variant was classified as benign.

Illumina Laboratory Services, Illumina
Classification: Likely benign for Peroxisome biogenesis disorder 1A (Zellweger). Last evaluated: 2018-01-13. Review status: criteria provided, single submitter. Criteria: ICSL Variant Classification Criteria 13 December 2019. Collection method: clinical testing. Allele origin: germline.
Comment: This variant was observed in the ICSL laboratory as part of a predisposition screen in an ostensibly healthy population. It had not been previously curated by ICSL or reported in the Human Gene Mutation Database (HGMD: prior to June 1st, 2018), and was therefore a candidate for classification through an automated scoring system. Utilizing variant allele frequency, disease prevalence and penetrance estimates, and inheritance mode, an automated score was calculated to assess if this variant is too frequent to cause the disease. Based on the score and internal cut-off values, a variant classified as likely benign is not then subjected to further curation. The score for this variant resulted in a classification of likely benign for this disease.

Breakthrough Genomics
Classification: Likely benign. Review status: criteria provided, single submitter. Criteria: ACMG Guidelines, 2015. Collection method: not provided. Allele origin: germline. Inheritance: Autosomal recessive inheritance. Affected: yes.

Natera, Inc.
Classification: Benign for Zellweger syndrome. Last evaluated: 2017-05-11. Review status: no assertion criteria provided. Collection method: clinical testing. Allele origin: germline. Not counted in ClinVar's aggregate classification.

Clinical Genetics DNA and cytogenetics Diagnostics Lab, Erasmus MC, Erasmus Medical Center
Classification: Benign. Review status: no assertion criteria provided. Collection method: clinical testing. Allele origin: germline. Affected: yes. Study: VKGL Data-share Consensus. Not counted in ClinVar's aggregate classification.

Clinical Genetics, Academic Medical Center
Classification: Benign. Review status: no assertion criteria provided. Collection method: clinical testing. Allele origin: germline. Affected: yes. Study: VKGL Data-share Consensus. Not counted in ClinVar's aggregate classification.